The following is an entry in ClinVar:

NM_000719.7(CACNA1C):c.3659A>G (p.Tyr1220Cys)

Gene: CACNA1C (calcium voltage-gated channel subunit alpha1 C; plus strand). Cytogenetic location: 12p13.33.
Variant type: single nucleotide variant.
Coding change: c.3659A>G on transcript NM_000719.7 (MANE Select); coding-DNA position 3659, A replaced by G.
Protein change: p.Tyr1220Cys; replaces tyrosine 1220 with cysteine.
Molecular consequence: missense variant.
Genome position (GRCh38, 1-based): chr12:2,610,641, A>G. VCF-style: chr12-2610641-A-G. GRCh37 (hg19) VCF-style: chr12-2719807-A-G.
Other names: c.3659A>G, p.Tyr1220Cys (NM_001129835.2, NM_001129836.2, NM_001129837.2 and 15 more transcripts); c.3719A>G, p.Tyr1240Cys (NM_001129827.2, NM_001129832.2, NM_199460.4); c.3650A>G, p.Tyr1217Cys (NM_001129844.2); short protein forms Y1240C, Y1217C, Y1220C.
Identifiers: ClinVar variation 1733644 (VCV001733644.5), dbSNP rs2518845650, ClinGen allele CA383376744.

ClinVar aggregate classification (germline): Uncertain significance. Review status: criteria provided, multiple submitters, no conflicts (2 of 4 stars). 2 submissions from 2 submitters: Uncertain significance (2). Last evaluated 2025-04-24.

Conditions:
Long QT syndrome (LQTS). Identifiers: MedGen C0023976, MeSH D008133, MONDO:0002442. Disease mechanism: loss of function. Inheritance: Various modes of inheritance.
Cardiovascular phenotype. Identifiers: MedGen CN230736.

Submissions (2):

Labcorp Genetics (formerly Invitae), Labcorp
Classification: Uncertain significance for Long QT syndrome. Last evaluated: 2025-04-24. Review status: criteria provided, single submitter. Criteria: Invitae Variant Classification Sherloc (09022015). Collection method: clinical testing. Allele origin: germline.
Comment: This sequence change replaces tyrosine, which is neutral and polar, with cysteine, which is neutral and slightly polar, at codon 1220 of the CACNA1C protein (p.Tyr1220Cys). This variant is not present in population databases (gnomAD no frequency). This variant has not been reported in the literature in individuals affected with CACNA1C-related conditions. ClinVar contains an entry for this variant (Variation ID: 1733644). Invitae Evidence Modeling of protein sequence and biophysical properties (such as structural, functional, and spatial information, amino acid conservation, physicochemical variation, residue mobility, and thermodynamic stability) indicates that this missense variant is expected to disrupt CACNA1C protein function with a positive predictive value of 80%. In summary, the available evidence is currently insufficient to determine the role of this variant in disease. Therefore, it has been classified as a Variant of Uncertain Significance.

Ambry Genetics
Classification: Uncertain significance for Cardiovascular phenotype. Last evaluated: 2021-02-05. Review status: criteria provided, single submitter. Criteria: Ambry Variant Classification Scheme 2023. Collection method: clinical testing. Allele origin: germline.
Comment: The p.Y1220C variant (also known as c.3659A>G), located in coding exon 28 of the CACNA1C gene, results from an A to G substitution at nucleotide position 3659. The tyrosine at codon 1220 is replaced by cysteine, an amino acid with highly dissimilar properties. This amino acid position is highly conserved in available vertebrate species. In addition, this alteration is predicted to be deleterious by in silico analysis. Since supporting evidence is limited at this time, the clinical significance of this alteration remains unclear.